The following is an entry in ClinVar:

ClinVar aggregate classification (germline): Uncertain significance (1 of 4 stars; one submission).

Conditions:
Hereditary breast ovarian cancer syndrome. Also called: Hereditary breast and/or ovarian cancer syndrome; Hereditary breast and ovarian cancer syndrome; Hereditary breast and ovarian cancer syndrome (HBOC); Breast and ovarian cancer; Hereditary breast and ovarian cancer; BRCA1- and BRCA2-Associated Hereditary Breast and Ovarian Cancer. Identifiers: Orphanet 145, MedGen C0677776, MeSH D061325, MONDO:0003582. Disease mechanism: loss of function.

Submission:

Labcorp Genetics (formerly Invitae), Labcorp
Classification: Uncertain significance for Hereditary breast ovarian cancer syndrome. Last evaluated: 2022-11-16. Review status: criteria provided, single submitter. Criteria: Invitae Variant Classification Sherloc (09022015). Collection method: clinical testing. Allele origin: germline.
Comment: This sequence change replaces serine, which is neutral and polar, with asparagine, which is neutral and polar, at codon 3058 of the BRCA2 protein (p.Ser3058Asn). In summary, the available evidence is currently insufficient to determine the role of this variant in disease. Therefore, it has been classified as a Variant of Uncertain Significance. Advanced modeling of protein sequence and biophysical properties (such as structural, functional, and spatial information, amino acid conservation, physicochemical variation, residue mobility, and thermodynamic stability) performed at Invitae indicates that this missense variant is not expected to disrupt BRCA2 protein function. ClinVar contains an entry for this variant (Variation ID: 1056945). This variant has not been reported in the literature in individuals affected with BRCA2-related conditions. This variant is not present in population databases (gnomAD no frequency).

NM_000059.4(BRCA2):c.9173G>A (p.Ser3058Asn)

Gene: BRCA2 (BRCA2 DNA repair associated; plus strand). Cytogenetic location: 13q13.1.
Variant type: single nucleotide variant.
Coding change: c.9173G>A on transcript NM_000059.4 (MANE Select); coding-DNA position 9173, G replaced by A.
Protein change: p.Ser3058Asn; replaces serine 3058 with asparagine.
Molecular consequence: missense variant.
Genome position (GRCh38, 1-based): chr13:32,380,062, G>A. VCF-style: chr13-32380062-G-A. GRCh37 (hg19) VCF-style: chr13-32954199-G-A.
Other names: short protein forms S3058N.
Identifiers: ClinVar variation 1056945 (VCV001056945.11), dbSNP rs2137625033, ClinGen allele CA387758014.